The following is an entry in ClinVar:

ClinVar aggregate classification (germline): Pathogenic/Likely pathogenic. Review status: criteria provided, multiple submitters, no conflicts (2 of 4 stars). 5 submissions from 5 submitters: Pathogenic (2); Likely pathogenic (3). Last evaluated 2025-11-09.

Conditions:
Deficiency of acetyl-CoA acetyltransferase. Also called: MITOCHONDRIAL ACETOACETYL-CoA THIOLASE DEFICIENCY; 3-KETOTHIOLASE DEFICIENCY; 3-OXOTHIOLASE DEFICIENCY; Beta-ketothiolase deficiency. Identifiers: Orphanet 134, MedGen C1536500, MONDO:0008760, OMIM 203750. Disease mechanism: loss of function.

Submissions (5):

Labcorp Genetics (formerly Invitae), Labcorp
Classification: Pathogenic for Deficiency of acetyl-CoA acetyltransferase. Last evaluated: 2025-11-09. Review status: criteria provided, single submitter. Criteria: Invitae Variant Classification Sherloc (09022015). Collection method: clinical testing. Allele origin: germline.
Comment: This sequence change creates a premature translational stop signal (p.Asn275Metfs*4) in the ACAT1 gene. It is expected to result in an absent or disrupted protein product. Loss-of-function variants in ACAT1 are known to be pathogenic (PMID: 7749408). The frequency data for this variant in the population databases is considered unreliable, as metrics indicate poor data quality at this position in the gnomAD database. This variant has not been reported in the literature in individuals affected with ACAT1-related conditions. ClinVar contains an entry for this variant (Variation ID: 1408987). For these reasons, this variant has been classified as Pathogenic.

Natera, Inc.
Classification: Likely pathogenic for Alpha-methylacetoacetic aciduria. Last evaluated: 2025-05-21. Review status: criteria provided, single submitter. Criteria: Natera Variant Classification Schema (03/2026). Collection method: clinical testing. Allele origin: germline.
Comment: The c.824delA variant in ACAT1 is a frameshift variant predicted to shift the reading frame beginning at codon 275 and leads to a stop codon 4 codons downstream. This variant is expected to result in nonsense mediated decay, truncation, or a dysfunctional protein product. This variant is rare in the general population with a frequency below the threshold expected for the associated phenotype(s). Given the available evidence, this variant is classified as Likely Pathogenic.

Myriad Genetics, Inc.
Classification: Pathogenic for Deficiency of acetyl-CoA acetyltransferase. Last evaluated: 2025-05-07. Review status: criteria provided, single submitter. Criteria: Myriad Autosomal Dominant, Autosomal Recessive and X-Linked Classification Criteria (2023). Collection method: clinical testing. Allele origin: unknown.
Comment: NM_000019.3(ACAT1):c.824delA(N275Mfs*4) is a frameshift variant classified as pathogenic in the context of beta-ketothiolase deficiency. N275Mfs*4 has not been observed in cases with relevant disease. Relevant functional assessments of this variant are not available in the literature. N275Mfs*4 has been observed in referenced population frequency databases. In summary, NM_000019.3(ACAT1):c.824delA(N275Mfs*4) is a frameshift variant in a gene where loss of function is a known mechanism of disease and is predicted to disrupt protein function. Please note: this variant was assessed in the context of healthy population screening.

Fulgent Genetics
Classification: Likely pathogenic for Deficiency of acetyl-CoA acetyltransferase. Last evaluated: 2024-03-26. Review status: criteria provided, single submitter. Criteria: ACMG Guidelines, 2015. Collection method: clinical testing. Allele origin: germline.

Baylor Genetics
Classification: Likely pathogenic for Deficiency of acetyl-CoA acetyltransferase. Last evaluated: 2023-12-27. Review status: criteria provided, single submitter. Criteria: ACMG Guidelines, 2015. Collection method: clinical testing. Allele origin: unknown.

Literature cited by the submitters: PubMed 7749408 (cited by Labcorp Genetics (formerly Invitae), Labcorp).

NM_000019.4(ACAT1):c.824del (p.Asn275fs)

Gene: ACAT1 (acetyl-CoA acetyltransferase 1; plus strand). Cytogenetic location: 11q22.3.
Variant type: Deletion.
Coding change: c.824del on transcript NM_000019.4 (MANE Select); coding-DNA position 824, one base deleted (A; older notation c.824delA).
Protein change: p.Asn275fs; shifts the reading frame from asparagine 275.
Molecular consequence: frameshift variant. On other transcripts: non-coding transcript variant (2).
Genome position (GRCh38, 1-based): chr11:108,141,698, A deleted; the last of 4 consecutive A bases (chr11:108,141,695-108,141,698); deleting any one gives the same sequence. VCF-style (leftmost placement, unchanged base first): chr11-108141694-GA-G. GRCh37 (hg19) VCF-style: chr11-108012421-GA-G.
Other names: c.824del, p.Asn275fs (NM_001386677.1); c.509del, p.Asn170fs (NM_001386678.1); c.527del, p.Asn176fs (NM_001386679.1); c.554del, p.Asn185fs (NM_001386681.1, NM_001386682.1, NM_001386685.1 and 6 more transcripts); c.824delA (NM_000019.3); short protein forms N170fs, N275fs, N185fs, N176fs.
Identifiers: ClinVar variation 1408987 (VCV001408987.12), dbSNP rs1163072872, ClinGen allele CA601678410.
Genomic context (GRCh38, chr11:108,141,694, plus strand): 5'-GAAGAATATAAACGTGTTGATTTTAGCAAAGTTCCAAAGCTGAAGACAGTTTTCCAGAAA[GA>G]AAATGGTTAGTGTTAAGAAATGAAGCATAAGAAAAAATTGAGCCAGTATACCATATCTAG-3'